The following is an entry in ClinVar:

NM_003803.4(MYOM1):c.2486T>C (p.Ile829Thr)

Gene: MYOM1 (myomesin 1; minus strand). Cytogenetic location: 18p11.31.
Variant type: single nucleotide variant.
Coding change: c.2486T>C on transcript NM_003803.4 (MANE Select); coding-DNA position 2486, T replaced by C.
Protein change: p.Ile829Thr; replaces isoleucine 829 with threonine.
Molecular consequence: missense variant.
Genome position (GRCh38, 1-based): chr18:3,131,395, A>G on the plus strand (T>C on the coding strand, the complement: MYOM1 is on the minus strand). VCF-style: chr18-3131395-A-G. GRCh37 (hg19) VCF-style: chr18-3131393-A-G.
Other names: c.2486T>C, p.Ile829Thr (NM_019856.2); short protein forms I829T.
Identifiers: ClinVar variation 4844177 (VCV004844177.1).

ClinVar aggregate classification (germline): Uncertain significance (1 of 4 stars; one submission).

gnomAD v4.1: 2 of 1,613,922 alleles (0.00012%); highest among the groups gnomAD compares: Non-Finnish European, 0.00017%; no homozygotes.

Submission:

Ambry Genetics
Classification: Uncertain significance. Last evaluated: 2026-02-19. Review status: criteria provided, single submitter. Criteria: Ambry Variant Classification Scheme 2023. Collection method: clinical testing. Allele origin: germline.
Comment: The p.I829T variant (also known as c.2486T>C), located in coding exon 16 of the MYOM1 gene, results from a T to C substitution at nucleotide position 2486. The isoleucine at codon 829 is replaced by threonine, an amino acid with similar properties. This amino acid position is conserved. In addition, this alteration is predicted to be tolerated by in silico analysis. Based on the available evidence, the clinical significance of this variant remains unclear.